The following is an entry in ClinVar:

ClinVar aggregate classification (germline): Uncertain significance (1 of 4 stars; one submission).

Conditions:
Fanconi anemia complementation group J. Also called: BRIP1-Related Fanconi Anemia. Identifiers: Orphanet 84, MedGen C1836860, MONDO:0012187, OMIM 609054.
Familial cancer of breast. Also called: BREAST CANCER, FAMILIAL; hereditary breast carcinoma; Hereditary breast cancer. Identifiers: Orphanet 227535, MedGen C0346153, MONDO:0016419, OMIM 114480. Disease mechanism: loss of function.

Submission:

Labcorp Genetics (formerly Invitae), Labcorp
Classification: Uncertain significance for Familial cancer of breast; Fanconi anemia complementation group J. Last evaluated: 2017-11-20. Review status: criteria provided, single submitter. Criteria: Invitae Variant Classification Sherloc (09022015). Collection method: clinical testing. Allele origin: germline.
Comment: In summary, the available evidence is currently insufficient to determine the role of this variant in disease. Therefore, it has been classified as a Variant of Uncertain Significance. Algorithms developed to predict the effect of missense changes on protein structure and function output the following: SIFT: "Tolerated"; PolyPhen-2: "Benign"; Align-GVGD: "Class C0". The glutamine amino acid residue is found in multiple mammalian species, suggesting that this missense change does not adversely affect protein function. These predictions have not been confirmed by published functional studies and their clinical significance is uncertain. This variant has not been reported in the literature in individuals with BRIP1-related disease. This variant is not present in population databases (ExAC no frequency). This sequence change replaces histidine with glutamine at codon 323 of the BRIP1 protein (p.His323Gln). The histidine residue is weakly conserved and there is a small physicochemical difference between histidine and glutamine.

NM_032043.3(BRIP1):c.969C>A (p.His323Gln)

Gene: BRIP1 (BRCA1 interacting DNA helicase 1; minus strand). Cytogenetic location: 17q23.2.
Variant type: single nucleotide variant.
Coding change: c.969C>A on transcript NM_032043.3 (MANE Select); coding-DNA position 969, C replaced by A.
Protein change: p.His323Gln; replaces histidine 323 with glutamine.
Molecular consequence: missense variant.
Genome position (GRCh38, 1-based): chr17:61,801,424, G>T on the plus strand (C>A on the coding strand, the complement: BRIP1 is on the minus strand). VCF-style: chr17-61801424-G-T. GRCh37 (hg19) VCF-style: chr17-59878785-G-T.
Other names: short protein forms H323Q.
Identifiers: ClinVar variation 530317 (VCV000530317.9), dbSNP rs1555607775, ClinGen allele CA400484211.